The following is an entry in ClinVar:

ClinVar aggregate classification (germline): Uncertain significance. Review status: criteria provided, single submitter (1 of 4 stars). 2 submissions from 2 submitters: Uncertain significance (1). 1 of the submissions does not count toward it. Last evaluated 2022-07-17.

Conditions:
Retinitis pigmentosa 25 (RP25). Identifiers: Orphanet 791, MedGen C1864446, MONDO:0011272, OMIM 602772.

Allele frequency attached by ClinVar (database versions not stated): gnomAD exomes below 0.00001 and 0.00001; TOPMed below 0.00001; gnomAD 0.00001.
gnomAD v4.1: 6 of 1,613,078 alleles (0.00037%); highest among the groups gnomAD compares: African/African-American, 0.0013%; no homozygotes.

Submissions (2):

Labcorp Genetics (formerly Invitae), Labcorp
Classification: Uncertain significance. Last evaluated: 2022-07-17. Review status: criteria provided, single submitter. Criteria: Invitae Variant Classification Sherloc (09022015). Collection method: clinical testing. Allele origin: germline.
Comment: This sequence change replaces valine, which is neutral and non-polar, with glycine, which is neutral and non-polar, at codon 480 of the EYS protein (p.Val480Gly). This variant is present in population databases (no rsID available, gnomAD 0.0009%). This variant has not been reported in the literature in individuals affected with EYS-related conditions. ClinVar contains an entry for this variant (Variation ID: 842344). Algorithms developed to predict the effect of missense changes on protein structure and function are either unavailable or do not agree on the potential impact of this missense change (SIFT: "Deleterious"; PolyPhen-2: "Possibly Damaging"; Align-GVGD: "Class C0"). In summary, the available evidence is currently insufficient to determine the role of this variant in disease. Therefore, it has been classified as a Variant of Uncertain Significance.

Natera, Inc.
Classification: Uncertain significance for Retinitis pigmentosa type 25. Last evaluated: 2020-08-28. Review status: no assertion criteria provided. Collection method: clinical testing. Allele origin: germline. Not counted in ClinVar's aggregate classification.

NM_001142800.2(EYS):c.1439T>G (p.Val480Gly)

Gene: EYS (eyes shut homolog; minus strand). Cytogenetic location: 6q12.
Variant type: single nucleotide variant.
Coding change: c.1439T>G on transcript NM_001142800.2 (MANE Select); coding-DNA position 1439, T replaced by G.
Protein change: p.Val480Gly; replaces valine 480 with glycine.
Molecular consequence: missense variant.
Genome position (GRCh38, 1-based): chr6:65,353,478, A>C on the plus strand (T>G on the coding strand, the complement: EYS is on the minus strand). VCF-style: chr6-65353478-A-C. GRCh37 (hg19) VCF-style: chr6-66063371-A-C.
Other names: c.1439T>G, p.Val480Gly (NM_001142801.2, NM_001292009.2, NM_198283.2); short protein forms V480G.
Identifiers: ClinVar variation 842344 (VCV000842344.7), dbSNP rs1163522025, ClinGen allele CA364661643.